The following is an entry in ClinVar:

ClinVar aggregate classification (germline): Uncertain significance (1 of 4 stars; one submission).

Conditions:
FAT4-related disorder. Also called: FAT4-related condition.

gnomAD v4.1: 1 of 1,614,136 alleles (0.000062%); highest among the groups gnomAD compares: Admixed American, 0.0017%; no homozygotes.

Submission:

PreventionGenetics, part of Exact Sciences
Classification: Uncertain significance for FAT4-related condition. Last evaluated: 2025-06-18. Review status: criteria provided, single submitter. Criteria: ACMG Guidelines, 2015. Collection method: clinical testing. Allele origin: germline.
Comment: The FAT4 c.1997C>T variant is predicted to result in the amino acid substitution p.Ser666Phe. To our knowledge, this variant has not been reported in the literature. This variant is reported in 0.0029% of alleles in individuals of Latino descent in gnomAD. At this time, the clinical significance of this variant is uncertain due to the absence of conclusive functional and genetic evidence.

NM_001291303.3(FAT4):c.1997C>T (p.Ser666Phe)

Gene: FAT4 (FAT atypical cadherin 4; plus strand). Cytogenetic location: 4q28.1.
Variant type: single nucleotide variant.
Coding change: c.1997C>T on transcript NM_001291303.3 (MANE Select); coding-DNA position 1997, C replaced by T.
Protein change: p.Ser666Phe; replaces serine 666 with phenylalanine.
Molecular consequence: missense variant. On other transcripts: intron variant (1).
Genome position (GRCh38, 1-based): chr4:125,318,408, C>T. VCF-style: chr4-125318408-C-T. GRCh37 (hg19) VCF-style: chr4-126239563-C-T.
Other names: c.1997C>T, p.Ser666Phe (NM_001291285.3, NM_001438396.1, NM_001438397.1 and 1 more transcripts); c.-55+2431C>T (NM_001437895.1); short protein forms S666F.
Identifiers: ClinVar variation 4989071 (VCV004989071.1).